The following is an entry in ClinVar:

NM_020778.5(ALPK3):c.2637A>G (p.Pro879=)

Gene: ALPK3 (alpha kinase 3; plus strand). Cytogenetic location: 15q25.3.
Variant type: single nucleotide variant.
Coding change: c.2637A>G on transcript NM_020778.5 (MANE Select); coding-DNA position 2637, A replaced by G.
Protein change: p.Pro879=; no amino-acid change (proline 879 retained).
Molecular consequence: synonymous variant.
Genome position (GRCh38, 1-based): chr15:84,857,375, A>G. VCF-style: chr15-84857375-A-G. GRCh37 (hg19) VCF-style: chr15-85400606-A-G.
Identifiers: ClinVar variation 1729321 (VCV001729321.9), dbSNP rs1350571336, ClinGen allele CA492273450.

ClinVar aggregate classification (germline): Likely benign. Review status: criteria provided, multiple submitters, no conflicts (2 of 4 stars). 4 submissions from 4 submitters: Likely benign (4). Last evaluated 2026-03-27.

Conditions:
Cardiovascular phenotype. Identifiers: MedGen CN230736.

Allele frequency attached by ClinVar (database versions not stated): gnomAD exomes below 0.00001; gnomAD 0.00001; TOPMed 0.00001.
gnomAD v4.1: 3 of 1,613,990 alleles (0.00019%); highest among the groups gnomAD compares: African/African-American, 0.0013%; no homozygotes.

Submissions (4):

Molecular Diagnostic Laboratory for Inherited Cardiovascular Disease, Montreal Heart Institute
Classification: Likely benign. Last evaluated: 2026-03-27. Review status: criteria provided, single submitter. Criteria: ACMG Guidelines, 2015. Collection method: clinical testing. Allele origin: germline. Affected: no.
Comment: BP6;BP7

Labcorp Genetics (formerly Invitae), Labcorp
Classification: Likely benign. Last evaluated: 2025-04-22. Review status: criteria provided, single submitter. Criteria: Invitae Variant Classification Sherloc (09022015). Collection method: clinical testing. Allele origin: germline.

Ambry Genetics
Classification: Likely benign for Cardiovascular phenotype. Last evaluated: 2020-07-02. Review status: criteria provided, single submitter. Criteria: Ambry Variant Classification Scheme 2023. Collection method: clinical testing. Allele origin: germline.

Blueprint Genetics
Classification: Likely benign. Last evaluated: 2020-01-10. Review status: criteria provided, single submitter. Criteria: ACMG Guidelines, 2015. Collection method: clinical testing. Allele origin: germline.